The following is an entry in ClinVar:

ClinVar aggregate classification (germline): Uncertain significance (1 of 4 stars; one submission).

Conditions:
WFS1-related disorder. Identifiers: MedGen CN379391, MONDO:0700293.

gnomAD v4.1: 6 of 1,614,110 alleles (0.00037%); highest among the groups gnomAD compares: Admixed American, 0.0017%; no homozygotes.

Submission:

PreventionGenetics, part of Exact Sciences
Classification: Uncertain significance for WFS1-related condition. Last evaluated: 2026-03-18. Review status: criteria provided, single submitter. Criteria: ACMG Guidelines, 2015. Collection method: clinical testing. Allele origin: germline.
Comment: The WFS1 c.1879C>G variant is predicted to result in the amino acid substitution p.Leu627Val. To our knowledge, this variant has not been reported in the literature. This variant is reported in 0.0029% of alleles in individuals of Latino descent in gnomAD. At this time, the clinical significance of this variant is uncertain due to the absence of conclusive functional and genetic evidence.

NM_006005.3(WFS1):c.1879C>G (p.Leu627Val)

Gene: WFS1 (wolframin ER transmembrane glycoprotein; plus strand). Cytogenetic location: 4p16.1.
Variant type: single nucleotide variant.
Coding change: c.1879C>G on transcript NM_006005.3 (MANE Select); coding-DNA position 1879, C replaced by G.
Protein change: p.Leu627Val; replaces leucine 627 with valine.
Molecular consequence: missense variant.
Genome position (GRCh38, 1-based): chr4:6,301,674, C>G. VCF-style: chr4-6301674-C-G. GRCh37 (hg19) VCF-style: chr4-6303401-C-G.
Other names: c.1879C>G, p.Leu627Val (NM_001145853.1); short protein forms L627V.
Identifiers: ClinVar variation 4989332 (VCV004989332.1).
Genomic context (GRCh38, chr4:6,301,674, plus strand): 5'-CCCCTGCTGTTGCGCTGGTGGACCAAGGCCAGCTTCTCTGTGGTGGGGATGGTGAAGTCC[C>G]TGACGCGGAGCTCCATGGTCAAGCTCATCCTGGTGTGGCTCACGGCCATCGTGCTGTTCT-3'
Protein context (NP_005996.2, residues 617-637): SFSVVGMVKS[Leu627Val]TRSSMVKLIL